The following is an entry in ClinVar:

ClinVar aggregate classification (germline): Uncertain significance. Review status: criteria provided, multiple submitters, no conflicts (2 of 4 stars). 3 submissions from 3 submitters: Uncertain significance (3). Last evaluated 2025-06-02.

Conditions:
KIF1B-related disorder. Also called: KIF1B-related condition.
Charcot-Marie-Tooth disease type 2. Also called: Charcot-Marie-Tooth type 2. Identifiers: Orphanet 64746, MedGen C0270914, MONDO:0018993.

Allele frequency attached by ClinVar (database versions not stated): gnomAD 0.00001; gnomAD exomes 0.00001 and 0.00002; ExAC 0.00002.
gnomAD v4.1: 29 of 1,613,842 alleles (0.0018%); highest among the groups gnomAD compares: Non-Finnish European, 0.0022%; no homozygotes.

Submissions (3):

PreventionGenetics, part of Exact Sciences
Classification: Uncertain significance for KIF1B-related condition. Last evaluated: 2025-06-02. Review status: criteria provided, single submitter. Criteria: ACMG Guidelines, 2015. Collection method: clinical testing. Allele origin: germline.
Comment: The KIF1B c.2821G>A variant is predicted to result in the amino acid substitution p.Val941Met. To our knowledge, this variant has not been reported in the literature. This variant is reported in 0.0031% of alleles in individuals of European (Non-Finnish) descent in gnomAD. At this time, the clinical significance of this variant is uncertain due to the absence of conclusive functional and genetic evidence.

Labcorp Genetics (formerly Invitae), Labcorp
Classification: Uncertain significance for Charcot-Marie-Tooth disease type 2. Last evaluated: 2025-05-02. Review status: criteria provided, single submitter. Criteria: Invitae Variant Classification Sherloc (09022015). Collection method: clinical testing. Allele origin: germline.
Comment: This sequence change replaces valine, which is neutral and non-polar, with methionine, which is neutral and non-polar, at codon 941 of the KIF1B protein (p.Val941Met). This variant is present in population databases (rs768340319, gnomAD 0.003%). This variant has not been reported in the literature in individuals affected with KIF1B-related conditions. ClinVar contains an entry for this variant (Variation ID: 862231). Invitae Evidence Modeling of protein sequence and biophysical properties (such as structural, functional, and spatial information, amino acid conservation, physicochemical variation, residue mobility, and thermodynamic stability) indicates that this missense variant is not expected to disrupt KIF1B protein function with a negative predictive value of 80%. In summary, the available evidence is currently insufficient to determine the role of this variant in disease. Therefore, it has been classified as a Variant of Uncertain Significance.

Ambry Genetics
Classification: Uncertain significance. Last evaluated: 2024-06-23. Review status: criteria provided, single submitter. Criteria: Ambry Variant Classification Scheme 2023. Collection method: clinical testing. Allele origin: germline.
Comment: The p.V941M variant (also known as c.2821G>A), located in coding exon 25 of the KIF1B gene, results from a G to A substitution at nucleotide position 2821. The valine at codon 941 is replaced by methionine, an amino acid with highly similar properties. This amino acid position is highly conserved in available vertebrate species. In addition, the in silico prediction for this alteration is inconclusive. Since supporting evidence is limited at this time, the clinical significance of this alteration remains unclear.

NM_001365951.3(KIF1B):c.2959G>A (p.Val987Met)

Gene: KIF1B (kinesin family member 1B; plus strand). Cytogenetic location: 1p36.22.
Variant type: single nucleotide variant.
Coding change: c.2959G>A on transcript NM_001365951.3 (MANE Select); coding-DNA position 2959, G replaced by A.
Protein change: p.Val987Met; replaces valine 987 with methionine.
Molecular consequence: missense variant.
Genome position (GRCh38, 1-based): chr1:10,334,554, G>A. VCF-style: chr1-10334554-G-A. GRCh37 (hg19) VCF-style: chr1-10394612-G-A.
Other names: c.2959G>A, p.Val987Met (NM_001365952.1); c.2821G>A, p.Val941Met (NM_015074.3); short protein forms V941M, V987M.
Identifiers: ClinVar variation 862231 (VCV000862231.12), dbSNP rs768340319, ClinGen allele CA581653.